The following is an entry in ClinVar:

NM_033100.4(CDHR1):c.1202G>C (p.Gly401Ala)

Gene: CDHR1 (cadherin related family member 1; plus strand). Cytogenetic location: 10q23.1.
Variant type: single nucleotide variant.
Coding change: c.1202G>C on transcript NM_033100.4 (MANE Select); coding-DNA position 1202, G replaced by C.
Protein change: p.Gly401Ala; replaces glycine 401 with alanine.
Molecular consequence: missense variant.
Genome position (GRCh38, 1-based): chr10:84,208,763, G>C. VCF-style: chr10-84208763-G-C. GRCh37 (hg19) VCF-style: chr10-85968519-G-C.
Other names: c.1202G>C, p.Gly401Ala (NM_001171971.3); short protein forms G401A.
Identifiers: ClinVar variation 2136901 (VCV002136901.5), dbSNP rs1185537367, ClinGen allele CA377375414.

ClinVar aggregate classification (germline): Uncertain significance. Review status: criteria provided, multiple submitters, no conflicts (2 of 4 stars). 2 submissions from 2 submitters: Uncertain significance (2). Last evaluated 2024-10-26.

gnomAD v4.1: 2 of 1,614,150 alleles (0.00012%); highest among the groups gnomAD compares: Middle Eastern, 0.033%; no homozygotes.

Submissions (2):

Labcorp Genetics (formerly Invitae), Labcorp
Classification: Uncertain significance. Last evaluated: 2024-10-26. Review status: criteria provided, single submitter. Criteria: Invitae Variant Classification Sherloc (09022015). Collection method: clinical testing. Allele origin: germline.
Comment: This sequence change replaces glycine, which is neutral and non-polar, with alanine, which is neutral and non-polar, at codon 401 of the CDHR1 protein (p.Gly401Ala). This variant is not present in population databases (gnomAD no frequency). This missense change has been observed in individual(s) with clinical features of CDHR1-related conditions (PMID: 24265693). ClinVar contains an entry for this variant (Variation ID: 2136901). Invitae Evidence Modeling of protein sequence and biophysical properties (such as structural, functional, and spatial information, amino acid conservation, physicochemical variation, residue mobility, and thermodynamic stability) indicates that this missense variant is not expected to disrupt CDHR1 protein function with a negative predictive value of 80%. In summary, the available evidence is currently insufficient to determine the role of this variant in disease. Therefore, it has been classified as a Variant of Uncertain Significance.

Blueprint Genetics
Classification: Uncertain significance. Last evaluated: 2023-10-06. Review status: criteria provided, single submitter. Criteria: ACMG Guidelines, 2015. Collection method: clinical testing. Allele origin: germline.

Literature cited by the submitters: PubMed 24265693 (cited by Labcorp Genetics (formerly Invitae), Labcorp).